The following is an entry in ClinVar:

ClinVar aggregate classification (germline): Uncertain significance (1 of 4 stars; one submission).

gnomAD v4.1: 4 of 1,614,144 alleles (0.00025%); highest among the groups gnomAD compares: Non-Finnish European, 0.00034%; no homozygotes.

Submission:

Labcorp Genetics (formerly Invitae), Labcorp
Classification: Uncertain significance. Last evaluated: 2024-05-12. Review status: criteria provided, single submitter. Criteria: Invitae Variant Classification Sherloc (09022015). Collection method: clinical testing. Allele origin: germline.
Comment: This sequence change replaces threonine, which is neutral and polar, with serine, which is neutral and polar, at codon 130 of the ZNF408 protein (p.Thr130Ser). This variant is not present in population databases (gnomAD no frequency). This variant has not been reported in the literature in individuals affected with ZNF408-related conditions. An algorithm developed to predict the effect of missense changes on protein structure and function (PolyPhen-2) suggests that this variant is likely to be tolerated. In summary, the available evidence is currently insufficient to determine the role of this variant in disease. Therefore, it has been classified as a Variant of Uncertain Significance.

NM_024741.3(ZNF408):c.389C>G (p.Thr130Ser)

Gene: ZNF408 (zinc finger protein 408; plus strand). Cytogenetic location: 11p11.2.
Variant type: single nucleotide variant.
Coding change: c.389C>G on transcript NM_024741.3 (MANE Select); coding-DNA position 389, C replaced by G.
Protein change: p.Thr130Ser; replaces threonine 130 with serine.
Molecular consequence: missense variant.
Genome position (GRCh38, 1-based): chr11:46,702,762, C>G. VCF-style: chr11-46702762-C-G. GRCh37 (hg19) VCF-style: chr11-46724312-C-G.
Other names: c.365C>G, p.Thr122Ser (NM_001184751.2); short protein forms T122S, T130S.
Identifiers: ClinVar variation 3612027 (VCV003612027.2).